The following is an entry in ClinVar:

NM_001037333.3(CYFIP2):c.1983G>A (p.Glu661=)

Gene: CYFIP2 (cytoplasmic FMR1 interacting protein 2; plus strand). Cytogenetic location: 5q33.3.
Variant type: single nucleotide variant.
Coding change: c.1983G>A on transcript NM_001037333.3 (MANE Select); coding-DNA position 1983, G replaced by A.
Protein change: p.Glu661=; no amino-acid change (glutamic acid 661 retained).
Molecular consequence: synonymous variant.
Genome position (GRCh38, 1-based): chr5:157,326,171, G>A. VCF-style: chr5-157326171-G-A. GRCh37 (hg19) VCF-style: chr5-156753179-G-A.
Other names: c.1905G>A, p.Glu635= (NM_001291721.2); c.2058G>A, p.Glu686= (NM_001291722.2); c.1983G>A, p.Glu661= (NM_014376.4); c.1983G>A (NM_001037333.1).
Identifiers: ClinVar variation 2420244 (VCV002420244.10), dbSNP rs1010909113, ClinGen allele CA130176943.

ClinVar aggregate classification (germline): Conflicting classifications of pathogenicity. Review status: criteria provided, conflicting classifications (1 of 4 stars). 2 submissions from 2 submitters: Uncertain significance (1); Likely benign (1). Last evaluated 2025-01-08.

Conditions:
Inborn genetic diseases. Identifiers: MedGen C0950123, MeSH D030342.

Allele frequency attached by ClinVar (database versions not stated): gnomAD exomes below 0.00001; TOPMed 0.00003; gnomAD 0.00005.
gnomAD v4.1: 8 of 1,612,638 alleles (0.0005%); highest among the groups gnomAD compares: African/African-American, 0.0093%; no homozygotes.

Submissions (2):

Labcorp Genetics (formerly Invitae), Labcorp
Classification: Uncertain significance. Last evaluated: 2025-01-08. Review status: criteria provided, single submitter. Criteria: Invitae Variant Classification Sherloc (09022015). Collection method: clinical testing. Allele origin: germline.
Comment: This sequence change affects codon 661 of the CYFIP2 mRNA. It is a 'silent' change, meaning that it does not change the encoded amino acid sequence of the CYFIP2 protein. It affects a nucleotide within the consensus splice site. This variant is present in population databases (no rsID available, gnomAD 0.01%). This variant has not been reported in the literature in individuals affected with CYFIP2-related conditions. ClinVar contains an entry for this variant (Variation ID: 2420244). Algorithms developed to predict the effect of sequence changes on RNA splicing suggest that this variant is not likely to affect RNA splicing. In summary, the available evidence is currently insufficient to determine the role of this variant in disease. Therefore, it has been classified as a Variant of Uncertain Significance.

Ambry Genetics
Classification: Likely benign for Inborn genetic diseases. Last evaluated: 2023-06-07. Review status: criteria provided, single submitter. Criteria: Ambry Variant Classification Scheme 2023. Collection method: clinical testing. Allele origin: germline.